The following is an entry in ClinVar:

NM_001379500.1(COL18A1):c.3929G>A (p.Gly1310Glu)

Genes: COL18A1 (collagen type XVIII alpha 1 chain; plus strand), SLC19A1 (solute carrier family 19 member 1; minus strand). Cytogenetic location: 21q22.3.
Variant type: single nucleotide variant.
Coding change: c.3929G>A on transcript NM_001379500.1 (MANE Select); coding-DNA position 3929, G replaced by A.
Protein change: p.Gly1310Glu; replaces glycine 1310 with glutamic acid.
Molecular consequence: missense variant.
Genome position (GRCh38, 1-based): chr21:45,512,307, G>A. VCF-style: chr21-45512307-G-A. GRCh37 (hg19) VCF-style: chr21-46932221-G-A.
Other names: c.4460G>A, p.Gly1487Glu (NM_030582.4); c.5165G>A, p.Gly1722Glu (NM_130444.3); short protein forms G1310E, G1722E, G1487E.
Identifiers: ClinVar variation 1477679 (VCV001477679.3), dbSNP rs781659635, ClinGen allele CA10068138.
Genomic context (GRCh38, chr21:45,512,307, plus strand): 5'-ACTGTGAGACGTGGCGGACGGAGGCTCCCTCGGCCACGGGCCAGGCCTCCTCGCTGCTGG[G>A]GGGCAGGCTCCTGGGGCAGAGTGCCGCGAGCTGCCATCACGCCTACATCGTGCTCTGCAT-3'
Protein context (NP_001366429.1, residues 1300-1320): SATGQASSLL[Gly1310Glu]GRLLGQSAAS

ClinVar aggregate classification (germline): Uncertain significance (1 of 4 stars; one submission).

Allele frequency attached by ClinVar (database versions not stated): gnomAD exomes below 0.00001; TOPMed below 0.00001; ExAC 0.00001; gnomAD 0.00001.
gnomAD v4.1: 32 of 1,612,372 alleles (0.002%); highest among the groups gnomAD compares: Non-Finnish European, 0.0026%; no homozygotes.

Submission:

Labcorp Genetics (formerly Invitae), Labcorp
Classification: Uncertain significance. Last evaluated: 2022-07-12. Review status: criteria provided, single submitter. Criteria: Invitae Variant Classification Sherloc (09022015). Collection method: clinical testing. Allele origin: germline.
Comment: This sequence change replaces glycine, which is neutral and non-polar, with glutamic acid, which is acidic and polar, at codon 1307 of the COL18A1 protein (p.Gly1307Glu). This variant is present in population databases (rs781659635, gnomAD 0.002%). This variant has not been reported in the literature in individuals affected with COL18A1-related conditions. ClinVar contains an entry for this variant (Variation ID: 1477679). Experimental studies and prediction algorithms are not available or were not evaluated, and the functional significance of this variant is currently unknown. In summary, the available evidence is currently insufficient to determine the role of this variant in disease. Therefore, it has been classified as a Variant of Uncertain Significance.